The following is an entry in ClinVar:

NM_000535.7(PMS2):c.2465T>C (p.Leu822Pro)

Gene: PMS2 (PMS1 homolog 2, mismatch repair system component; minus strand). Cytogenetic location: 7p22.1.
Variant type: single nucleotide variant.
Coding change: c.2465T>C on transcript NM_000535.7 (MANE Select); coding-DNA position 2465, T replaced by C.
Protein change: p.Leu822Pro; replaces leucine 822 with proline.
Molecular consequence: missense variant. On other transcripts: non-coding transcript variant (1).
Genome position (GRCh38, 1-based): chr7:5,973,523, A>G on the plus strand (T>C on the coding strand, the complement: PMS2 is on the minus strand). VCF-style: chr7-5973523-A-G. GRCh37 (hg19) VCF-style: chr7-6013154-A-G.
Other names: c.2060T>C, p.Leu687Pro (NM_001322004.2, NM_001322003.2, NM_001322005.2); c.2093T>C, p.Leu698Pro (NM_001322009.2); c.1904T>C, p.Leu635Pro (NM_001322010.2); c.1532T>C, p.Leu511Pro (NM_001322011.2, NM_001322012.2); c.2309T>C, p.Leu770Pro (NM_001322006.2); c.2147T>C, p.Leu716Pro (NM_001322007.2, NM_001322008.2); c.1892T>C, p.Leu631Pro (NM_001322013.2); c.2498T>C, p.Leu833Pro (NM_001322014.2); and 1 more; short protein forms L822P, L687P, L833P, L511P, L698P, L719P, L770P, L631P.
Identifiers: ClinVar variation 141291 (VCV000141291.4), dbSNP rs587781636, ClinGen allele CA011547.
Genomic context (GRCh38, chr7:5,973,523, plus strand): 5'-TTCCAGGGGTGGTCCATCTCCCCCATGTGGGTGATCAGTTTCTTCATCTCGCTTGTGTTA[A>G]GAGCAGTCCCAATCATCACCTGAGTGTGAGACACAATGGTTCAACGTTTTAGTAGTTTTT-3'
Protein context (NP_000526.2, residues 812-832): CRKSVMIGTA[Leu822Pro]NTSEMKKLIT

ClinVar aggregate classification (germline): Conflicting classifications of pathogenicity. Review status: criteria provided, conflicting classifications (1 of 4 stars). 2 submissions from 2 submitters: Likely pathogenic (1); Uncertain significance (1). Last evaluated 2023-09-25.

Conditions:
Hereditary cancer-predisposing syndrome. Also called: Neoplastic Syndromes, Hereditary; Tumor predisposition; Hereditary Cancer Syndrome; Hereditary neoplastic syndrome. Identifiers: Orphanet 140162, MedGen C0027672, MeSH D009386, MONDO:0015356.
Lynch syndrome 4 (LYNCH4). Also called: Colorectal cancer, hereditary nonpolyposis, type 4; Hereditary non-polyposis colorectal cancer, type 4. Identifiers: Orphanet 144, MedGen C1838333, MONDO:0013699, OMIM 614337. Disease mechanism: loss of function.

Allele frequency attached by ClinVar (database versions not stated): TOPMed 0.00001.

Submissions (2):

Myriad Genetics, Inc.
Classification: Likely pathogenic for Lynch syndrome 4. Last evaluated: 2023-09-25. Review status: criteria provided, single submitter. Criteria: Myriad Autosomal Dominant, Autosomal Recessive and X-Linked Classification Criteria (2023). Collection method: clinical testing. Allele origin: unknown.
Comment: This variant is considered likely pathogenic. Functional studies indicate this variant impacts protein function [PMID: 35451539]. This variant is expected to disrupt protein structure [Myriad internal data].

Ambry Genetics
Classification: Uncertain significance for Hereditary cancer-predisposing syndrome. Last evaluated: 2013-08-22. Review status: criteria provided, single submitter. Criteria: Ambry Autosomal Dominant and X-Linked criteria (10/2015). Collection method: clinical testing. Allele origin: germline. Observed: 1 variant allele.
Comment: Ã¢â‚¬â€¹The p.L822P variant (also known as c.2465T>C) is located in coding exon 15 of the PMS2 gene. This alteration results from a T to C substitution at nucleotide position 2465. The leucine at codon 822 is replaced by proline, an amino acid with some similar properties. This variant was not reported in population-based cohorts in the following databases: Database of Single Nucleotide Polymorphisms (dbSNP), NHLBI Exome Sequencing Project (ESP) and 1000 Genomes Project. To date, this alteration has been detected with an allele frequency of approximately 0.01% (greater than 6700 alleles tested) in our clinical cohort (includes this individual). Based on protein sequence alignment, this amino acid position is highly conserved in available vertebrate species. In addition, this alteration is predicted to be damaging and deleterious by PolyPhen and SIFT in silico analyses, respectively. Since supporting evidence is limited at this time, the clinical significance of p.L822P remains unclear.

Literature cited by the submitters: PubMed 35451539 (cited by Myriad Genetics, Inc.).